The following is an entry in ClinVar:

ClinVar aggregate classification (germline): Pathogenic/Likely pathogenic. Review status: criteria provided, multiple submitters, no conflicts (2 of 4 stars). 2 submissions from 2 submitters: Pathogenic (1); Likely pathogenic (1). Last evaluated 2025-05-22.

Conditions:
Familial dysautonomia. Also called: HSAN III; FD. Identifiers: Orphanet 1764, MedGen C0013364, MONDO:0009131, OMIM 223900. Disease mechanism: loss of function.

Submissions (2):

Natera, Inc.
Classification: Likely pathogenic for Familial dysautonomia. Last evaluated: 2025-05-22. Review status: criteria provided, single submitter. Criteria: Natera Variant Classification Schema (03/2026). Collection method: clinical testing. Allele origin: germline.
Comment: The c.64C>T variant in ELP1 is a nonsense variant predicted to introduce a stop codon at amino acid 22. This variant is expected to result in nonsense mediated decay, truncation, or a dysfunctional protein product. This variant is rare in the general population with a frequency below the threshold expected for the associated phenotype(s). Given the available evidence, this variant is classified as Likely Pathogenic.

Labcorp Genetics (formerly Invitae), Labcorp
Classification: Pathogenic. Last evaluated: 2024-01-04. Review status: criteria provided, single submitter. Criteria: Invitae Variant Classification Sherloc (09022015). Collection method: clinical testing. Allele origin: germline.
Comment: This sequence change creates a premature translational stop signal (p.Gln22*) in the ELP1 gene. It is expected to result in an absent or disrupted protein product. Loss-of-function variants in ELP1 are known to be pathogenic (PMID: 18303054, 24173031). This variant is not present in population databases (gnomAD no frequency). This variant has not been reported in the literature in individuals affected with ELP1-related conditions. ClinVar contains an entry for this variant (Variation ID: 1070946). Algorithms developed to predict the effect of sequence changes on RNA splicing suggest that this variant may disrupt the consensus splice site. For these reasons, this variant has been classified as Pathogenic.

Literature cited by the submitters: PubMed 18303054 (cited by Labcorp Genetics (formerly Invitae), Labcorp); PubMed 24173031 (cited by Labcorp Genetics (formerly Invitae), Labcorp).

NM_003640.5(ELP1):c.64C>T (p.Gln22Ter)

Gene: ELP1 (elongator acetyltransferase complex subunit 1; minus strand). Cytogenetic location: 9q31.3.
Variant type: single nucleotide variant.
Coding change: c.64C>T on transcript NM_003640.5 (MANE Select); coding-DNA position 64, C replaced by T.
Protein change: p.Gln22Ter; replaces glutamine 22 with a stop codon.
Molecular consequence: nonsense. On other transcripts: 5 prime UTR variant (1), intron variant (1).
Genome position (GRCh38, 1-based): chr9:108,931,083, G>A on the plus strand (C>T on the coding strand, the complement: ELP1 is on the minus strand). VCF-style: chr9-108931083-G-A. GRCh37 (hg19) VCF-style: chr9-111693363-G-A.
Other names: c.64C>T (NM_003640.4); c.-796C>T (NM_001330749.2); c.-252-27C>T (NM_001318360.2); short protein forms Q22*.
Identifiers: ClinVar variation 1070946 (VCV001070946.8), dbSNP rs2132052954, ClinGen allele CA374395082.